The following is an entry in ClinVar:

NM_000478.6(ALPL):c.1351_1353del (p.His451del)

Gene: ALPL (alkaline phosphatase, biomineralization associated; plus strand). Cytogenetic location: 1p36.12.
Variant type: Deletion.
Coding change: c.1351_1353del on transcript NM_000478.6 (MANE Select); coding-DNA positions 1351 to 1353, 3 bases deleted (CAC; older notation c.1351_1353delCAC).
Protein change: p.His451del; deletes histidine 451.
Molecular consequence: inframe deletion.
Genome position (GRCh38, 1-based): chr1:21,577,424-21,577,426, CAC deleted; deleting any 3 consecutive bases within chr1:21,577,423-21,577,426 gives the same sequence; the c. name uses the placement nearest the transcript's 3' end. VCF-style (leftmost placement, unchanged base first): chr1-21577422-GCCA-G. GRCh37 (hg19) VCF-style: chr1-21903915-GCCA-G.
Other names: c.1186_1188del, p.His396del (NM_001127501.4); c.1120_1122del, p.His374del (NM_001177520.3); c.1351_1353del, p.His451del (NM_001369803.2, NM_001369804.2, NM_001369805.2); short protein forms H374del, H396del, H451del.
Identifiers: ClinVar variation 4526551 (VCV004526551.1).

ClinVar aggregate classification (germline): Likely pathogenic (1 of 4 stars; one submission).

Conditions:
Adult hypophosphatasia. Identifiers: Orphanet 247676, Orphanet 436, MedGen C0268413, MONDO:1010154, OMIM 146300, MONDO:0007798.

Submission:

MVZ Medizinische Genetik Mainz
Classification: Likely pathogenic for Adult hypophosphatasia. Last evaluated: 2025-09-18. Review status: criteria provided, single submitter. Criteria: UK Practice Guidelines For Variant Classification V4 01 2020. Collection method: clinical testing. Allele origin: germline. Inheritance: Autosomal dominant inheritance. Affected: yes. Observed: 1 variant allele.
Comment: ACMG Criteria: PM4,PP4_MOD,PM2_SUP,PP3